The following is an entry in ClinVar:

NM_015443.4(KANSL1):c.1653-153C>A

Gene: KANSL1 (KAT8 regulatory NSL complex subunit 1). Cytogenetic location: 17q21.31.
Variant type: single nucleotide variant.
Coding change: c.1653-153C>A on transcript NM_015443.4 (MANE Select); 153 bases into the intron before coding-DNA position 1653, C replaced by A.
Molecular consequence: intron variant.
Genome position (GRCh38, 1-based): chr17:46,066,885, G>T on the plus strand (C>A on the coding strand, the complement: KANSL1 is on the minus strand). VCF-style: chr17-46066885-G-T. GRCh37 (hg19) VCF-style: chr17-44144251-G-T.
Other names: c.1653-153C>A (NM_001193465.2, NM_001379198.1, NM_001193466.2).
Identifiers: ClinVar variation 670427 (VCV000670427.2), dbSNP rs62060799, ClinGen allele CA15895896.

ClinVar aggregate classification (germline): Benign. Review status: criteria provided, multiple submitters, no conflicts (2 of 4 stars). 2 submissions from 2 submitters: Benign (2). Last evaluated 2018-06-14.

Allele frequency attached by ClinVar (database versions not stated): 1000 Genomes Project 30x 0.08542; 1000 Genomes Project 0.08626; gnomAD 0.14186 and 0.14472; TOPMed 0.14813.
gnomAD v4.1: 21,805 of 152,234 alleles (14%); highest among the groups gnomAD compares: Non-Finnish European, 22%; 2,132 homozygotes.

Submissions (2):

GeneDx
Classification: Benign. Last evaluated: 2018-06-14. Review status: criteria provided, single submitter. Criteria: GeneDx Variant Classification (06012015). Collection method: clinical testing. Allele origin: germline. Affected: yes.
Comment: This variant is considered likely benign or benign based on one or more of the following criteria: it is a conservative change, it occurs at a poorly conserved position in the protein, it is predicted to be benign by multiple in silico algorithms, and/or has population frequency not consistent with disease.

Breakthrough Genomics
Classification: Benign. Review status: criteria provided, single submitter. Criteria: ACMG Guidelines, 2015. Collection method: not provided. Allele origin: germline. Inheritance: Autosomal dominant inheritance. Affected: yes.